The following is an entry in ClinVar:

ClinVar aggregate classification (germline): Uncertain significance. Review status: criteria provided, multiple submitters, no conflicts (2 of 4 stars). 2 submissions from 2 submitters: Uncertain significance (2). Last evaluated 2024-03-06.

Conditions:
Basal laminar drusen. Also called: DRUSEN OF BRUCH MEMBRANE; DRUSEN, CUTICULAR; DRUSEN, EARLY ADULT-ONSET, GROUPED. Identifiers: Orphanet 75376, MedGen C0730295, MONDO:0007472, OMIM 126700.
Age related macular degeneration 4. Identifiers: MedGen C1853147, MONDO:0012540, OMIM 610698.
Factor H deficiency (CFHD). Also called: COMPLEMENT FACTOR H DEFICIENCY; CFH DEFICIENCY. Identifiers: Orphanet 200421, MedGen C0398777, MONDO:0012350, OMIM 609814.
Hemolytic uremic syndrome, atypical, susceptibility to, 1. Also called: AHUS, SUSCEPTIBILITY TO, 1. Identifiers: Orphanet 2134, Orphanet 90038, MedGen C2749604, MONDO:0009335, OMIM 235400. Disease mechanism: Other.

Allele frequency attached by ClinVar (database versions not stated): ExAC 0.00001; gnomAD 0.00001; TOPMed 0.00001; gnomAD exomes below 0.00001.
gnomAD v4.1: 2 of 1,613,742 alleles (0.00012%); highest among the groups gnomAD compares: Non-Finnish European, 0.00017%; no homozygotes.

Submissions (2):

Fulgent Genetics
Classification: Uncertain significance for Basal laminar drusen; Hemolytic uremic syndrome, atypical, susceptibility to, 1; Factor H deficiency; Age related macular degeneration 4. Last evaluated: 2024-03-06. Review status: criteria provided, single submitter. Criteria: ACMG Guidelines, 2015. Collection method: clinical testing. Allele origin: germline.

Labcorp Genetics (formerly Invitae), Labcorp
Classification: Uncertain significance. Last evaluated: 2023-11-24. Review status: criteria provided, single submitter. Criteria: Invitae Variant Classification Sherloc (09022015). Collection method: clinical testing. Allele origin: germline.
Comment: This sequence change replaces asparagine, which is neutral and polar, with serine, which is neutral and polar, at codon 22 of the CFH protein (p.Asn22Ser). This variant is present in population databases (rs767494411, gnomAD 0.0009%). This variant has not been reported in the literature in individuals affected with CFH-related conditions. ClinVar contains an entry for this variant (Variation ID: 1478967). An algorithm developed to predict the effect of missense changes on protein structure and function (PolyPhen-2) suggests that this variant is likely to be tolerated. In summary, the available evidence is currently insufficient to determine the role of this variant in disease. Therefore, it has been classified as a Variant of Uncertain Significance.

NM_000186.4(CFH):c.65A>G (p.Asn22Ser)

Gene: CFH (complement factor H; plus strand). Cytogenetic location: 1q31.3.
Variant type: single nucleotide variant.
Coding change: c.65A>G on transcript NM_000186.4 (MANE Select); coding-DNA position 65, A replaced by G.
Protein change: p.Asn22Ser; replaces asparagine 22 with serine.
Molecular consequence: missense variant.
Genome position (GRCh38, 1-based): chr1:196,672,984, A>G. VCF-style: chr1-196672984-A-G. GRCh37 (hg19) VCF-style: chr1-196642114-A-G.
Other names: c.65A>G, p.Asn22Ser (NM_001014975.3); short protein forms N22S.
Identifiers: ClinVar variation 1478967 (VCV001478967.9), dbSNP rs767494411, ClinGen allele CA1304946.